The following is an entry in ClinVar:

NM_000492.4(CFTR):c.1774T>C (p.Cys592Arg)

Gene: CFTR (CF transmembrane conductance regulator; plus strand). Cytogenetic location: 7q31.2.
Variant type: single nucleotide variant.
Coding change: c.1774T>C on transcript NM_000492.4 (MANE Select); coding-DNA position 1774, T replaced by C.
Protein change: p.Cys592Arg; replaces cysteine 592 with arginine.
Molecular consequence: missense variant.
Genome position (GRCh38, 1-based): chr7:117,591,941, T>C. VCF-style: chr7-117591941-T-C. GRCh37 (hg19) VCF-style: chr7-117231995-T-C.
Other names: short protein forms C592R.
Identifiers: ClinVar variation 4525912 (VCV004525912.1).
Genomic context (GRCh38, chr7:117,591,941, plus strand): 5'-ATTGCAATAAAGTATTTATAAAATTGATATTTATATGTTTTTATATCTTAAAGCTGTGTC[T>C]GTAAACTGATGGCTAACAAAACTAGGATTTTGGTCACTTCTAAAATGGAACATTTAAAGA-3'
Protein context (NP_000483.3, residues 582-602): TEKEIFESCV[Cys592Arg]KLMANKTRIL

ClinVar aggregate classification (germline): Uncertain significance (1 of 4 stars; one submission).

Submission:

Women's Health and Genetics/Laboratory Corporation of America, LabCorp
Classification: Uncertain significance. Last evaluated: 2025-07-15. Review status: criteria provided, single submitter. Criteria: LabCorp Variant Classification Summary - May 2015. Collection method: clinical testing. Allele origin: germline.
Comment: Variant summary: CFTR c.1774T>C (p.Cys592Arg) results in a non-conservative amino acid change in the encoded protein sequence. Algorithms developed to predict the effect of missense changes on protein structure and function all suggest that this variant is likely to be disruptive. The variant was absent in 232184 control chromosomes. The available data on variant occurrences in the general population are insufficient to allow any conclusion about variant significance. To our knowledge, no occurrence of c.1774T>C in individuals affected with Cystic Fibrosis and no experimental evidence demonstrating its impact on protein function have been reported. No submitters have cited clinical-significance assessments for this variant to ClinVar. Based on the evidence outlined above, the variant was classified as uncertain significance.